The following is an entry in ClinVar:

NM_001083962.2(TCF4):c.1180G>C (p.Asp394His)

Gene: TCF4 (transcription factor 4; minus strand). Cytogenetic location: 18q21.2.
Variant type: single nucleotide variant.
Coding change: c.1180G>C on transcript NM_001083962.2 (MANE Select); coding-DNA position 1180, G replaced by C.
Protein change: p.Asp394His; replaces aspartic acid 394 with histidine.
Molecular consequence: missense variant.
Genome position (GRCh38, 1-based): chr18:55,254,667, C>G on the plus strand (G>C on the coding strand, the complement: TCF4 is on the minus strand). VCF-style: chr18-55254667-C-G. GRCh37 (hg19) VCF-style: chr18-52921898-C-G.
Other names: c.1486G>C, p.Asp496His (NM_001243226.3); c.1108G>C, p.Asp370His (NM_001243227.2, NM_001348218.2, NM_001348219.2 and 5 more transcripts); c.1198G>C, p.Asp400His (NM_001243228.2); c.1171G>C, p.Asp391His (NM_001243230.2); c.1054G>C, p.Asp352His (NM_001243231.2, NM_001348211.2); c.967G>C, p.Asp323His (NM_001243232.1, NM_001306208.1); c.790G>C, p.Asp264His (NM_001243233.2, NM_001330605.3, NM_001348212.2 and 1 more transcripts); c.1105G>C, p.Asp369His (NM_001348220.1, NM_001369576.1, NM_001369577.1 and 6 more transcripts); and 7 more; short protein forms D323H, D352H, D391H, D393H, D400H, D178H, D234H, D264H.
Identifiers: ClinVar variation 1375234 (VCV001375234.7), dbSNP rs1198693569, ClinGen allele CA402533839.
Genomic context (GRCh38, chr18:55,254,667, plus strand): 5'-CACCAGGCATAGCTGTGGATGGGCCCACTGCATGGTTCCGGAGAACATGAATAGCATCAT[C>G]CAGTCTTTCTAAACGATCTTCAATTCGGCTTTGCTGTTGGTTAACAAATGATGTAAAATT-3'
Protein context (NP_001077431.1, residues 384-404): SRIEDRLERL[Asp394His]DAIHVLRNHA

ClinVar aggregate classification (germline): Uncertain significance. Review status: criteria provided, multiple submitters, no conflicts (2 of 4 stars). 2 submissions from 2 submitters: Uncertain significance (2). Last evaluated 2022-06-13.

Conditions:
Inborn genetic diseases. Identifiers: MedGen C0950123, MeSH D030342.
Pitt-Hopkins syndrome (PTHS). Also called: ENCEPHALOPATHY, SEVERE EPILEPTIC, WITH AUTONOMIC DYSFUNCTION; MENTAL RETARDATION, SYNDROMAL, WITH INTERMITTENT HYPERVENTILATION. Identifiers: Orphanet 2896, MedGen C1970431, MONDO:0012589, OMIM 610954.

Submissions (2):

Labcorp Genetics (formerly Invitae), Labcorp
Classification: Uncertain significance for Pitt-Hopkins syndrome. Last evaluated: 2022-06-13. Review status: criteria provided, single submitter. Criteria: Invitae Variant Classification Sherloc (09022015). Collection method: clinical testing. Allele origin: germline.
Comment: Algorithms developed to predict the effect of missense changes on protein structure and function are either unavailable or do not agree on the potential impact of this missense change (SIFT: "Deleterious"; PolyPhen-2: "Probably Damaging"; Align-GVGD: "Class C0"). In summary, the available evidence is currently insufficient to determine the role of this variant in disease. Therefore, it has been classified as a Variant of Uncertain Significance. This variant has not been reported in the literature in individuals affected with TCF4-related conditions. This variant is not present in population databases (gnomAD no frequency). This sequence change replaces aspartic acid, which is acidic and polar, with histidine, which is basic and polar, at codon 394 of the TCF4 protein (p.Asp394His).

Ambry Genetics
Classification: Uncertain significance for Inborn genetic diseases. Last evaluated: 2021-06-04. Review status: criteria provided, single submitter. Criteria: Ambry Variant Classification Scheme 2023. Collection method: clinical testing. Allele origin: germline.